The following is an entry in ClinVar:

NM_001369.3(DNAH5):c.12861C>A (p.Tyr4287Ter)

Gene: DNAH5 (dynein axonemal heavy chain 5; minus strand). Cytogenetic location: 5p15.2.
Variant type: single nucleotide variant.
Coding change: c.12861C>A on transcript NM_001369.3 (MANE Select); coding-DNA position 12861, C replaced by A.
Protein change: p.Tyr4287Ter; replaces tyrosine 4287 with a stop codon.
Molecular consequence: nonsense.
Genome position (GRCh38, 1-based): chr5:13,716,535, G>T on the plus strand (C>A on the coding strand, the complement: DNAH5 is on the minus strand). VCF-style: chr5-13716535-G-T. GRCh37 (hg19) VCF-style: chr5-13716644-G-T.
Other names: short protein forms Y4287*.
Identifiers: ClinVar variation 4814860 (VCV004814860.1).
Genomic context (GRCh38, chr5:13,716,535, plus strand): 5'-AAGTTGACAAACCTGGATATACTGAAGATAGTTATCCACTGTGCTGCATTTTGGAATATT[G>T]TATCCTTGGTAAAAACTGAAATCTGGTCCAAACATATTTTCACTGAACCAAACCTTAGCA-3'

ClinVar aggregate classification (germline): Likely pathogenic (1 of 4 stars; one submission).

Conditions:
Primary ciliary dyskinesia. Also called: Ciliary dyskinesia. Identifiers: Orphanet 244, MedGen C0008780, MONDO:0016575, HP:0012265.

Submission:

Natera, Inc.
Classification: Likely pathogenic for Primary ciliary dyskinesia. Last evaluated: 2025-07-21. Review status: criteria provided, single submitter. Criteria: Natera Variant Classification Schema (03/2026). Collection method: clinical testing. Allele origin: germline.
Comment: The c.12861C>A variant in DNAH5 is a nonsense variant predicted to introduce a stop codon at amino acid 4287. This variant is expected to result in nonsense mediated decay, truncation, or a dysfunctional protein product. This variant is rare in the general population with a frequency below the threshold expected for the associated phenotype(s). Given the available evidence, this variant is classified as Likely Pathogenic.